The following is an entry in ClinVar:

NM_004320.6(ATP2A1):c.1367A>G (p.Asn456Ser)

Gene: ATP2A1 (ATPase sarcoplasmic/endoplasmic reticulum Ca2+ transporting 1; plus strand). Cytogenetic location: 16p11.2.
Variant type: single nucleotide variant.
Coding change: c.1367A>G on transcript NM_004320.6 (MANE Select); coding-DNA position 1367, A replaced by G.
Protein change: p.Asn456Ser; replaces asparagine 456 with serine.
Molecular consequence: missense variant.
Genome position (GRCh38, 1-based): chr16:28,894,901, A>G. VCF-style: chr16-28894901-A-G. GRCh37 (hg19) VCF-style: chr16-28906222-A-G.
Other names: c.992A>G, p.Asn331Ser (NM_001286075.2); c.1367A>G, p.Asn456Ser (NM_173201.5); c.1367A>G (NM_173201.4); short protein forms N456S, N331S.
Identifiers: ClinVar variation 464073 (VCV000464073.12), dbSNP rs185041245, ClinGen allele CA7986939.

ClinVar aggregate classification (germline): Uncertain significance. Review status: criteria provided, multiple submitters, no conflicts (2 of 4 stars). 4 submissions from 4 submitters: Uncertain significance (4). Last evaluated 2024-11-23.

Conditions:
Brody myopathy. Also called: BRODY DISEASE. Identifiers: Orphanet 53347, MedGen C1832918, MONDO:0010977, OMIM 601003.

Allele frequency attached by ClinVar (database versions not stated): TOPMed 0.00006; gnomAD exomes 0.00026; ExAC 0.00029; gnomAD 0.00029 and 0.00031; 1000 Genomes Project 30x 0.00031; 1000 Genomes Project 0.00040.
gnomAD v4.1: 257 of 1,612,480 alleles (0.016%); highest among the groups gnomAD compares: Non-Finnish European, 0.0095%; 1 homozygote.

Submissions (4):

Labcorp Genetics (formerly Invitae), Labcorp
Classification: Uncertain significance for Brody myopathy. Last evaluated: 2024-11-23. Review status: criteria provided, single submitter. Criteria: Invitae Variant Classification Sherloc (09022015). Collection method: clinical testing. Allele origin: germline.
Comment: This sequence change replaces asparagine, which is neutral and polar, with serine, which is neutral and polar, at codon 456 of the ATP2A1 protein (p.Asn456Ser). This variant is present in population databases (rs185041245, gnomAD 0.2%). This variant has not been reported in the literature in individuals affected with ATP2A1-related conditions. ClinVar contains an entry for this variant (Variation ID: 464073). An algorithm developed to predict the effect of missense changes on protein structure and function (PolyPhen-2) suggests that this variant¬†is likely to be tolerated. In summary, the available evidence is currently insufficient to determine the role of this variant in disease. Therefore, it has been classified as a Variant of Uncertain Significance.

Revvity Omics, Revvity
Classification: Uncertain significance for Brody myopathy. Last evaluated: 2023-08-16. Review status: criteria provided, single submitter. Criteria: ACMG Guidelines, 2015. Collection method: clinical testing. Allele origin: germline.

Athena Diagnostics
Classification: Uncertain significance. Last evaluated: 2021-01-15. Review status: criteria provided, single submitter. Criteria: Athena Diagnostics criteria. Collection method: clinical testing. Allele origin: unknown.

Illumina Laboratory Services, Illumina
Classification: Uncertain significance for Brody myopathy. Last evaluated: 2018-01-13. Review status: criteria provided, single submitter. Criteria: ICSL Variant Classification Criteria 13 December 2019. Collection method: clinical testing. Allele origin: germline.